The following is an entry in ClinVar:

ClinVar aggregate classification (germline): Uncertain significance. Review status: criteria provided, multiple submitters, no conflicts (2 of 4 stars). 2 submissions from 2 submitters: Uncertain significance (2). Last evaluated 2024-02-25.

Conditions:
Dilated cardiomyopathy 1G (CMD1G). Identifiers: Orphanet 154, MedGen C1858763, MONDO:0011400, OMIM 604145.
Autosomal recessive limb-girdle muscular dystrophy type 2J (LGMDR10). Also called: Limb-girdle muscular dystrophy, type 2J; MUSCULAR DYSTROPHY, LIMB-GIRDLE, AUTOSOMAL RECESSIVE 10. Identifiers: Orphanet 140922, MedGen C1837342, MONDO:0012127, OMIM 608807.

Allele frequency attached by ClinVar (database versions not stated): gnomAD 0.00001; gnomAD exomes 0.00001; ExAC 0.00002.
gnomAD v4.1: 8 of 1,613,842 alleles (0.0005%); highest among the groups gnomAD compares: African/African-American, 0.004%; no homozygotes.

Submissions (2):

Labcorp Genetics (formerly Invitae), Labcorp
Classification: Uncertain significance for Dilated cardiomyopathy 1G; Autosomal recessive limb-girdle muscular dystrophy type 2J. Last evaluated: 2024-02-25. Review status: criteria provided, single submitter. Criteria: Invitae Variant Classification Sherloc (09022015). Collection method: clinical testing. Allele origin: germline.
Comment: This sequence change replaces leucine, which is neutral and non-polar, with isoleucine, which is neutral and non-polar, at codon 34487 of the TTN protein (p.Leu34487Ile). This variant is present in population databases (rs779924820, gnomAD 0.002%). This variant has not been reported in the literature in individuals affected with TTN-related conditions. ClinVar contains an entry for this variant (Variation ID: 1191576). Experimental studies and prediction algorithms are not available or were not evaluated, and the functional significance of this variant is currently unknown. This variant is located in the M band of TTN (PMID: 25589632). Non-truncating variants in this region may be relevant for neuromuscular disorders, but have not been definitively shown to cause cardiomyopathy (PMID: 23975875). In summary, the available evidence is currently insufficient to determine the role of this variant in disease. Therefore, it has been classified as a Variant of Uncertain Significance.

GeneDx
Classification: Uncertain significance. Last evaluated: 2020-11-23. Review status: criteria provided, single submitter. Criteria: GeneDx Variant Classification Process June 2021. Collection method: clinical testing. Allele origin: germline. Affected: yes.

Literature cited by the submitters: PubMed 25589632 (cited by Labcorp Genetics (formerly Invitae), Labcorp); PubMed 23975875 (cited by Labcorp Genetics (formerly Invitae), Labcorp).

NM_001267550.2(TTN):c.103459C>A (p.Leu34487Ile)

Genes: TTN (titin; minus strand), TTN-AS1 (TTN antisense RNA 1; plus strand). Cytogenetic location: 2q31.2.
Variant type: single nucleotide variant.
Coding change: c.103459C>A on transcript NM_001267550.2 (MANE Select); coding-DNA position 103459, C replaced by A.
Protein change: p.Leu34487Ile; replaces leucine 34487 with isoleucine.
Molecular consequence: missense variant.
Genome position (GRCh38, 1-based): chr2:178,533,156, G>T on the plus strand (C>A on the coding strand, the complement: TTN is on the minus strand). VCF-style: chr2-178533156-G-T. GRCh37 (hg19) VCF-style: chr2-179397883-G-T.
Other names: c.98536C>A, p.Leu32846Ile (NM_001256850.1); c.76264C>A, p.Leu25422Ile (NM_003319.4); c.95755C>A, p.Leu31919Ile (NM_133378.4); c.76639C>A, p.Leu25547Ile (NM_133432.3); c.76840C>A, p.Leu25614Ile (NM_133437.4); short protein forms L25422I, L25547I, L25614I, L31919I, L32846I, L34487I.
Identifiers: ClinVar variation 1191576 (VCV001191576.7), dbSNP rs779924820, ClinGen allele CA1985599.
Genomic context (GRCh38, chr2:178,533,156, plus strand): 5'-CAGCTTCTCTCAGAGCCTCTTTAGCTACCTGTGTCAGTGGTACACTTTCAGTTCCAGAAA[G>T]AATTTCAGCCATTCTGAGGGTTTTGTCAATTTGTTTTTGTACGTGTCGCTCATGCTCCTC-3'
Protein context (NP_001254479.2, residues 34477-34497): IDKTLRMAEI[Leu34487Ile]SGTESVPLTQ